The following is an entry in ClinVar:

NM_005560.6(LAMA5):c.5500C>T (p.Pro1834Ser)

Gene: LAMA5 (laminin subunit alpha 5; minus strand). Cytogenetic location: 20q13.33.
Variant type: single nucleotide variant.
Coding change: c.5500C>T on transcript NM_005560.6 (MANE Select); coding-DNA position 5500, C replaced by T.
Protein change: p.Pro1834Ser; replaces proline 1834 with serine.
Molecular consequence: missense variant.
Genome position (GRCh38, 1-based): chr20:62,325,345, G>A on the plus strand (C>T on the coding strand, the complement: LAMA5 is on the minus strand). VCF-style: chr20-62325345-G-A. GRCh37 (hg19) VCF-style: chr20-60900401-G-A.
Other names: short protein forms P1834S.
Identifiers: ClinVar variation 2058034 (VCV002058034.3), dbSNP rs200148340, ClinGen allele CA9942187.

ClinVar aggregate classification (germline): Uncertain significance (1 of 4 stars; one submission).

Allele frequency attached by ClinVar (database versions not stated): gnomAD 0.00005; TOPMed 0.00012; 1000 Genomes Project 0.00020; 1000 Genomes Project 30x 0.00031.
gnomAD v4.1: 77 of 1,597,282 alleles (0.0048%); highest among the groups gnomAD compares: Admixed American, 0.12%; 1 homozygote.

Submission:

Labcorp Genetics (formerly Invitae), Labcorp
Classification: Uncertain significance. Last evaluated: 2022-04-06. Review status: criteria provided, single submitter. Criteria: Invitae Variant Classification Sherloc (09022015). Collection method: clinical testing. Allele origin: germline.
Comment: In summary, the available evidence is currently insufficient to determine the role of this variant in disease. Therefore, it has been classified as a Variant of Uncertain Significance. Algorithms developed to predict the effect of missense changes on protein structure and function are either unavailable or do not agree on the potential impact of this missense change (SIFT: "Deleterious"; PolyPhen-2: "Benign"; Align-GVGD: "Class C0"). This variant has not been reported in the literature in individuals affected with LAMA5-related conditions. This variant is present in population databases (rs200148340, gnomAD 0.2%). This sequence change replaces proline, which is neutral and non-polar, with serine, which is neutral and polar, at codon 1834 of the LAMA5 protein (p.Pro1834Ser).